The following is an entry in ClinVar:

ClinVar aggregate classification (germline): Pathogenic/Likely pathogenic. Review status: criteria provided, multiple submitters, no conflicts (2 of 4 stars). 2 submissions from 2 submitters: Pathogenic (1); Likely pathogenic (1). Last evaluated 2023-01-03.

Conditions:
Propionic acidemia (PROP). Also called: GLYCINEMIA, KETOTIC; HYPERGLYCINEMIA WITH KETOACIDOSIS AND LEUKOPENIA; KETOTIC HYPERGLYCINEMIA. Identifiers: Orphanet 35, MedGen C0268579, MONDO:0011628, OMIM 606054, HP:0003571.

Submissions (2):

Labcorp Genetics (formerly Invitae), Labcorp
Classification: Pathogenic for Propionic acidemia. Last evaluated: 2023-01-03. Review status: criteria provided, single submitter. Criteria: Invitae Variant Classification Sherloc (09022015). Collection method: clinical testing. Allele origin: germline.
Comment: For these reasons, this variant has been classified as Pathogenic. ClinVar contains an entry for this variant (Variation ID: 813433). This variant has not been reported in the literature in individuals affected with PCCA-related conditions. This variant is not present in population databases (gnomAD no frequency). This sequence change creates a premature translational stop signal (p.Ala14Profs*12) in the PCCA gene. It is expected to result in an absent or disrupted protein product. Loss-of-function variants in PCCA are known to be pathogenic (PMID: 15464417).

Baylor Genetics
Classification: Likely pathogenic for Propionic acidemia. Review status: criteria provided, single submitter. Criteria: ACMG Guidelines, 2015. Collection method: clinical testing. Allele origin: germline.

Literature cited by the submitters: PubMed 15464417 (cited by Labcorp Genetics (formerly Invitae), Labcorp).

NM_000282.4(PCCA):c.39del (p.Ala14fs)

Gene: PCCA (propionyl-CoA carboxylase subunit alpha; plus strand). Cytogenetic location: 13q32.3.
Variant type: Deletion.
Coding change: c.39del on transcript NM_000282.4 (MANE Select); coding-DNA position 39, one base deleted (T; older notation c.39delT).
Protein change: p.Ala14fs; shifts the reading frame from alanine 14.
Molecular consequence: frameshift variant. On other transcripts: non-coding transcript variant (5), 5 prime UTR variant (3).
Genome position (GRCh38, 1-based): chr13:100,089,159, T deleted. VCF-style (leftmost placement, unchanged base first): chr13-100089158-CT-C. GRCh37 (hg19) VCF-style: chr13-100741412-CT-C.
Other names: c.39del, p.Ala14fs (NM_001127692.3, NM_001178004.2, NM_001352605.2 and 4 more transcripts); c.-828del (NM_001352610.2, NM_001352611.2, NM_001352612.2); short protein forms A14fs.
Identifiers: ClinVar variation 813433 (VCV000813433.4), dbSNP rs1593996563, ClinGen allele CA915948665.